The following is an entry in ClinVar:

ClinVar aggregate classification (germline): Pathogenic (1 of 4 stars; one submission).

Conditions:
PHGDH deficiency. Identifiers: Orphanet 79351, MedGen C1866174, MONDO:0011152, OMIM 601815.

Submission:

Labcorp Genetics (formerly Invitae), Labcorp
Classification: Pathogenic for PHGDH deficiency. Last evaluated: 2024-11-05. Review status: criteria provided, single submitter. Criteria: Invitae Variant Classification Sherloc (09022015). Collection method: clinical testing. Allele origin: germline.
Comment: This sequence change creates a premature translational stop signal (p.Tyr495*) in the PHGDH gene. While this is not anticipated to result in nonsense mediated decay, it is expected to disrupt the last 39 amino acid(s) of the PHGDH protein. This variant is not present in population databases (gnomAD no frequency). This variant has not been reported in the literature in individuals affected with PHGDH-related conditions. ClinVar contains an entry for this variant (Variation ID: 2200542). This variant disrupts a region of the PHGDH protein in which other variant(s) (p.Trp506*) have been determined to be pathogenic (PMID: 30348640). This suggests that this is a clinically significant region of the protein, and that variants that disrupt it are likely to be disease-causing. For these reasons, this variant has been classified as Pathogenic.

Literature cited by the submitters: PubMed 30348640.

NM_006623.4(PHGDH):c.1485C>G (p.Tyr495Ter)

Gene: PHGDH (phosphoglycerate dehydrogenase; plus strand). Cytogenetic location: 1p12.
Variant type: single nucleotide variant.
Coding change: c.1485C>G on transcript NM_006623.4 (MANE Select); coding-DNA position 1485, C replaced by G.
Protein change: p.Tyr495Ter; replaces tyrosine 495 with a stop codon.
Molecular consequence: nonsense.
Genome position (GRCh38, 1-based): chr1:119,743,923, C>G. VCF-style: chr1-119743923-C-G. GRCh37 (hg19) VCF-style: chr1-120286546-C-G.
Other names: short protein forms Y495*.
Identifiers: ClinVar variation 2200542 (VCV002200542.4), dbSNP rs2464209193, ClinGen allele CA341854263.